The following is an entry in ClinVar:

ClinVar aggregate classification (germline): Likely benign. Review status: criteria provided, multiple submitters, no conflicts (2 of 4 stars). 5 submissions from 5 submitters: Likely benign (5). Last evaluated 2026-01-06.

Conditions:
Hereditary cancer-predisposing syndrome. Also called: Neoplastic Syndromes, Hereditary; Hereditary neoplastic syndrome; Tumor predisposition; Hereditary Cancer Syndrome. Identifiers: Orphanet 140162, MedGen C0027672, MeSH D009386, MONDO:0015356.
Breast-ovarian cancer, familial, susceptibility to, 3. Also called: RAD51C-Related Breast/Ovarian Cancer. Identifiers: Orphanet 145, MedGen C3150659, MONDO:0013253, OMIM 613399.
Fanconi anemia complementation group O. Also called: RAD51C-Related Fanconi Anemia. Identifiers: Orphanet 84, MedGen C3150653, MONDO:0013248, OMIM 613390.

Allele frequency attached by ClinVar (database versions not stated): TOPMed below 0.00001; ExAC 0.00001; gnomAD 0.00001 and 0.00003; gnomAD exomes 0.00001 and 0.00002; 1000 Genomes Project 30x 0.00016; 1000 Genomes Project 0.00020.
gnomAD v4.1: 25 of 1,597,248 alleles (0.0016%); highest among the groups gnomAD compares: East Asian, 0.043%; no homozygotes.

Submissions (5):

Labcorp Genetics (formerly Invitae), Labcorp
Classification: Likely benign for Fanconi anemia complementation group O. Last evaluated: 2026-01-06. Review status: criteria provided, single submitter. Criteria: Invitae Variant Classification Sherloc (09022015). Collection method: clinical testing. Allele origin: germline.

Myriad Genetics, Inc.
Classification: Likely benign for Breast-ovarian cancer, familial, susceptibility to, 3. Last evaluated: 2025-02-19. Review status: criteria provided, single submitter. Criteria: Myriad Autosomal Dominant, Autosomal Recessive and X-Linked Classification Criteria (2023). Collection method: clinical testing. Allele origin: unknown.
Comment: This variant is considered likely benign. This variant is intronic and is not expected to impact mRNA splicing.

Department of Pathology and Laboratory Medicine, Sinai Health System
Classification: Likely benign for Breast-ovarian cancer, familial, susceptibility to, 3. Last evaluated: 2022-02-28. Review status: criteria provided, single submitter. Criteria: ACMG Guidelines, 2015. Collection method: clinical testing. Allele origin: germline. Affected: yes.

Color Diagnostics, LLC DBA Color Health
Classification: Likely benign for Hereditary cancer-predisposing syndrome. Last evaluated: 2017-09-08. Review status: criteria provided, single submitter. Criteria: ACMG Guidelines, 2015. Collection method: clinical testing. Allele origin: germline.

GeneDx
Classification: Likely benign. Last evaluated: 2016-10-25. Review status: criteria provided, single submitter. Criteria: GeneDx Variant Classification (06012015). Collection method: clinical testing. Allele origin: germline. Affected: yes.
Comment: This variant is considered likely benign or benign based on one or more of the following criteria: it is a conservative change, it occurs at a poorly conserved position in the protein, it is predicted to be benign by multiple in silico algorithms, and/or has population frequency not consistent with disease.

NM_058216.3(RAD51C):c.838-15A>G

Gene: RAD51C (RAD51 paralog C; plus strand). Cytogenetic location: 17q22.
Variant type: single nucleotide variant.
Coding change: c.838-15A>G on transcript NM_058216.3 (MANE Select); 15 bases into the intron before coding-DNA position 838, A replaced by G.
Molecular consequence: intron variant.
Genome position (GRCh38, 1-based): chr17:58,720,731, A>G. VCF-style: chr17-58720731-A-G. GRCh37 (hg19) VCF-style: chr17-56798092-A-G.
Other names: c.838-15A>G (LRG_314t1).
Identifiers: ClinVar variation 390479 (VCV000390479.13), dbSNP rs150042209, ClinGen allele CA8677342.
Genomic context (GRCh38, chr17:58,720,731, plus strand): 5'-CAATCTTGGCCAGACTGGTCTACTTGATAATTTTCAAAGAGACTCACCTAATTTTCTTAC[A>G]TTTTGTTTTTGTAGGTAATTTTAACCAATCAGATGACAACAAAGATTGATAGAAATCAGG-3'